The following is an entry in ClinVar:

NM_000246.4(CIITA):c.331C>G (p.Leu111Val)

Gene: CIITA (class II major histocompatibility complex transactivator; plus strand). Cytogenetic location: 16p13.13.
Variant type: single nucleotide variant.
Coding change: c.331C>G on transcript NM_000246.4 (MANE Select); coding-DNA position 331, C replaced by G.
Protein change: p.Leu111Val; replaces leucine 111 with valine.
Molecular consequence: missense variant. On other transcripts: non-coding transcript variant (1).
Genome position (GRCh38, 1-based): chr16:10,898,705, C>G. VCF-style: chr16-10898705-C-G. GRCh37 (hg19) VCF-style: chr16-10992562-C-G.
Other names: c.331C>G, p.Leu111Val (NM_001286402.1, NM_001286403.2, NM_001379330.1 and 3 more transcripts); c.259C>G, p.Leu87Val (NM_001379334.1); short protein forms L87V, L111V.
Identifiers: ClinVar variation 2151405 (VCV002151405.1), dbSNP rs368329679, ClinGen allele CA7899667.

ClinVar aggregate classification (germline): Uncertain significance (1 of 4 stars; one submission).

Conditions:
MHC class II deficiency. Also called: Bare lymphocyte syndrome 2; BLS, TYPE II. Identifiers: Orphanet 572, MedGen C5447452, MONDO:0008855.

Allele frequency attached by ClinVar (database versions not stated): ExAC 0.00002; ESP Exome Variant Server 0.00008.
gnomAD v4.1: 14 of 1,611,864 alleles (0.00087%); highest among the groups gnomAD compares: African/African-American, 0.013%; no homozygotes.

Submission:

Labcorp Genetics (formerly Invitae), Labcorp
Classification: Uncertain significance for MHC class II deficiency. Last evaluated: 2022-01-11. Review status: criteria provided, single submitter. Criteria: Invitae Variant Classification Sherloc (09022015). Collection method: clinical testing. Allele origin: germline.
Comment: This sequence change replaces leucine, which is neutral and non-polar, with valine, which is neutral and non-polar, at codon 111 of the CIITA protein (p.Leu111Val). This variant is present in population databases (rs368329679, gnomAD 0.03%). This variant has not been reported in the literature in individuals affected with CIITA-related conditions. Algorithms developed to predict the effect of missense changes on protein structure and function (SIFT, PolyPhen-2, Align-GVGD) all suggest that this variant is likely to be tolerated. Algorithms developed to predict the effect of sequence changes on RNA splicing suggest that this variant may create or strengthen a splice site. In summary, the available evidence is currently insufficient to determine the role of this variant in disease. Therefore, it has been classified as a Variant of Uncertain Significance.